The following is an entry in ClinVar:

ClinVar aggregate classification (germline): Uncertain significance (1 of 4 stars; one submission).

gnomAD v4.1: 4 of 1,472,550 alleles (0.00027%); highest among the groups gnomAD compares: Non-Finnish European, 0.00036%; no homozygotes.

Submission:

Labcorp Genetics (formerly Invitae), Labcorp
Classification: Uncertain significance. Last evaluated: 2025-04-03. Review status: criteria provided, single submitter. Criteria: Invitae Variant Classification Sherloc (09022015). Collection method: clinical testing. Allele origin: germline.
Comment: This sequence change creates a premature translational stop signal (p.Glu460*) in the ZCCHC8 gene. While this is not anticipated to result in nonsense mediated decay, it is expected to disrupt the last 248 amino acid(s) of the ZCCHC8 protein. This variant is not present in population databases (gnomAD no frequency). This variant has not been reported in the literature in individuals affected with ZCCHC8-related conditions. Experimental studies and prediction algorithms are not available or were not evaluated, and the functional significance of this variant is currently unknown. In summary, the available evidence is currently insufficient to determine the role of this variant in disease. Therefore, it has been classified as a Variant of Uncertain Significance.

NM_017612.5(ZCCHC8):c.1378G>T (p.Glu460Ter)

Gene: ZCCHC8 (zinc finger CCHC-type containing 8; minus strand). Cytogenetic location: 12q24.31.
Variant type: single nucleotide variant.
Coding change: c.1378G>T on transcript NM_017612.5 (MANE Select); coding-DNA position 1378, G replaced by T.
Protein change: p.Glu460Ter; replaces glutamic acid 460 with a stop codon.
Molecular consequence: nonsense.
Genome position (GRCh38, 1-based): chr12:122,474,243, C>A on the plus strand (G>T on the coding strand, the complement: ZCCHC8 is on the minus strand). VCF-style: chr12-122474243-C-A. GRCh37 (hg19) VCF-style: chr12-122958790-C-A.
Other names: c.1147G>T, p.Glu383Ter (NM_001350935.2); c.1081G>T, p.Glu361Ter (NM_001350936.2); c.664G>T, p.Glu222Ter (NM_001350937.2, NM_001350938.2); short protein forms E222*, E361*, E383*, E460*.
Identifiers: ClinVar variation 4774357 (VCV004774357.1).